The following is an entry in ClinVar:

ClinVar aggregate classification (germline): Uncertain significance (1 of 4 stars; one submission).

Conditions:
Oligodontia-cancer predisposition syndrome. Also called: TOOTH AGENESIS-COLORECTAL CANCER SYNDROME. Identifiers: Orphanet 300576, MedGen C1837750, MONDO:0012075, OMIM 608615. Disease mechanism: loss of function.

Submission:

Labcorp Genetics (formerly Invitae), Labcorp
Classification: Uncertain significance for Oligodontia-cancer predisposition syndrome. Last evaluated: 2020-07-26. Review status: criteria provided, single submitter. Criteria: Invitae Variant Classification Sherloc (09022015). Collection method: clinical testing. Allele origin: germline.
Comment: This sequence change affects codon 354 of the AXIN2 mRNA. It is a 'silent' change, meaning that it does not change the encoded amino acid sequence of the AXIN2 protein. In summary, the available evidence is currently insufficient to determine the role of this variant in disease. Therefore, it has been classified as a Variant of Uncertain Significance. This variant is not present in population databases (ExAC no frequency). Algorithms developed to predict the effect of sequence changes on RNA splicing suggest that this variant is not likely to affect RNA splicing, but this prediction has not been confirmed by published transcriptional studies. This variant has not been reported in the literature in individuals with AXIN2-related conditions.

NM_004655.4(AXIN2):c.1060A>C (p.Arg354=)

Gene: AXIN2 (axin 2; minus strand). Cytogenetic location: 17q24.1.
Variant type: single nucleotide variant.
Coding change: c.1060A>C on transcript NM_004655.4 (MANE Select); coding-DNA position 1060, A replaced by C.
Protein change: p.Arg354=; no amino-acid change (arginine 354 retained).
Molecular consequence: synonymous variant.
Genome position (GRCh38, 1-based): chr17:65,538,343, T>G on the plus strand (A>C on the coding strand, the complement: AXIN2 is on the minus strand). VCF-style: chr17-65538343-T-G. GRCh37 (hg19) VCF-style: chr17-63534461-T-G.
Other names: c.1060A>C, p.Arg354= (NM_001363813.1).
Identifiers: ClinVar variation 1036963 (VCV001036963.8), dbSNP rs2043981832, ClinGen allele CA501476407.